The following is an entry in ClinVar:

NM_003883.4(HDAC3):c.562A>C (p.Met188Leu)

Gene: HDAC3 (histone deacetylase 3; minus strand). Cytogenetic location: 5q31.3.
Variant type: single nucleotide variant.
Coding change: c.562A>C on transcript NM_003883.4 (MANE Select); coding-DNA position 562, A replaced by C.
Protein change: p.Met188Leu; replaces methionine 188 with leucine.
Molecular consequence: missense variant. On other transcripts: initiator codon variant (1), non-coding transcript variant (6).
Genome position (GRCh38, 1-based): chr5:141,629,221, T>G on the plus strand (A>C on the coding strand, the complement: HDAC3 is on the minus strand). VCF-style: chr5-141629221-T-G. GRCh37 (hg19) VCF-style: chr5-141008788-T-G.
Other names: c.562A>C, p.Met188Leu (NM_001355039.2); c.103A>C, p.Met35Leu (NM_001355040.2); c.1A>C, p.Met1Leu (NM_001355041.2); short protein forms M188L, M35L, M1L.
Identifiers: ClinVar variation 4709910 (VCV004709910.1).

ClinVar aggregate classification (germline): Uncertain significance (1 of 4 stars; one submission).

Submission:

Labcorp Genetics (formerly Invitae), Labcorp
Classification: Uncertain significance. Last evaluated: 2025-12-27. Review status: criteria provided, single submitter. Criteria: Invitae Variant Classification Sherloc (09022015). Collection method: clinical testing. Allele origin: germline.
Comment: This sequence change replaces methionine, which is neutral and non-polar, with leucine, which is neutral and non-polar, at codon 188 of the HDAC3 protein (p.Met188Leu). This variant is not present in population databases (gnomAD no frequency). This variant has not been reported in the literature in individuals affected with HDAC3-related conditions. Invitae Evidence Modeling of protein sequence and biophysical properties (such as structural, functional, and spatial information, amino acid conservation, physicochemical variation, residue mobility, and thermodynamic stability) indicates that this missense variant is not expected to disrupt HDAC3 protein function with a negative predictive value of 80%. In summary, the available evidence is currently insufficient to determine the role of this variant in disease. Therefore, it has been classified as a Variant of Uncertain Significance.